The following is an entry in ClinVar:

NM_001042492.3(NF1):c.1722-2A>T

Gene: NF1 (neurofibromin 1; plus strand). Cytogenetic location: 17q11.2.
Variant type: single nucleotide variant.
Coding change: c.1722-2A>T on transcript NM_001042492.3 (MANE Select); the canonical splice acceptor site of the intron before coding-DNA position 1722, A replaced by T.
Molecular consequence: splice acceptor variant.
Genome position (GRCh38, 1-based): chr17:31,223,442, A>T. VCF-style: chr17-31223442-A-T. GRCh37 (hg19) VCF-style: chr17-29550460-A-T.
Other names: c.1722-2A>T (NM_000267.4).
Identifiers: ClinVar variation 1356667 (VCV001356667.6), dbSNP rs763983337, ClinGen allele CA399003937.
Genomic context (GRCh38, chr17:31,223,442, plus strand): 5'-CTGGTTATATCTGCATTAGGTTATTGATGATGCTAGTAACAATGAACTTTATGTTACTGC[A>T]GCTCACAAATGCTTTTTTACATCTGCAAGAAATTAACTAGTCATCAAATGCTTAGTAGCA-3'

ClinVar aggregate classification (germline): Pathogenic (1 of 4 stars; one submission).

Conditions:
Neurofibromatosis, type 1 (NF1). Also called: NEUROFIBROMATOSIS, TYPE I, SOMATIC; VON RECKLINGHAUSEN DISEASE; Neurofibromatosis, type I; Peripheral type neurofibromatosis. Identifiers: Orphanet 636, MedGen C0027831, MONDO:0018975, OMIM 162200. Disease mechanism: loss of function.

Submission:

Labcorp Genetics (formerly Invitae), Labcorp
Classification: Pathogenic for Neurofibromatosis, type 1. Last evaluated: 2021-10-11. Review status: criteria provided, single submitter. Criteria: Invitae Variant Classification Sherloc (09022015). Collection method: clinical testing. Allele origin: germline.
Comment: For these reasons, this variant has been classified as Pathogenic. Algorithms developed to predict the effect of sequence changes on RNA splicing suggest that this variant may disrupt the consensus splice site. Disruption of this splice site has been observed in individuals with clinical features of neurofibromatosis type I (PMID: 17311297, 26740943; Invitae). This variant is not present in population databases (ExAC no frequency). This sequence change affects an acceptor splice site in intron 15 of the NF1 gene. It is expected to disrupt RNA splicing. Variants that disrupt the donor or acceptor splice site typically lead to a loss of protein function (PMID: 16199547), and loss-of-function variants in NF1 are known to be pathogenic (PMID: 10712197, 23913538).

Literature cited by the submitters: PubMed 17311297; PubMed 26740943; PubMed 16199547; PubMed 10712197; PubMed 23913538.